The following is an entry in ClinVar:

NM_000048.4(ASL):c.524+12G>T

Gene: ASL (argininosuccinate lyase; plus strand). Cytogenetic location: 7q11.21.
Variant type: single nucleotide variant.
Coding change: c.524+12G>T on transcript NM_000048.4 (MANE Select); 12 bases into the intron after coding-DNA position 524, G replaced by T.
Molecular consequence: intron variant.
Genome position (GRCh38, 1-based): chr7:66,086,674, G>T. VCF-style: chr7-66086674-G-T. GRCh37 (hg19) VCF-style: chr7-65551661-G-T.
Other names: c.524+12G>T (NM_001024943.2, NM_001024944.2, NM_001024946.2).
Identifiers: ClinVar variation 387141 (VCV000387141.8), dbSNP rs200700775, ClinGen allele CA4276984.
Genomic context (GRCh38, chr7:66,086,674, plus strand): 5'-CCCATTTGCAGAGGGCCCAGCCCATCCGCTGGAGCCACTGGATTCTGAGGTGAGCCAGGT[G>T]AGGTGCAGGGGCTGTGCTAGAGGGGAGGACCCCGGCTGCCCTGACCCTCCTGCCCCTGGC-3'

ClinVar aggregate classification (germline): Likely benign. Review status: criteria provided, multiple submitters, no conflicts (2 of 4 stars). 2 submissions from 2 submitters: Likely benign (2). Last evaluated 2026-01-28.

Conditions:
Argininosuccinate lyase deficiency. Also called: ARGININOSUCCINIC ACID LYASE DEFICIENCY; ASL DEFICIENCY; Argininosuccinic aciduria. Identifiers: Orphanet 23, MedGen C0268547, MONDO:0008815, OMIM 207900, HP:0025630.

Allele frequency attached by ClinVar (database versions not stated): gnomAD 0.00008 and 0.00009; gnomAD exomes 0.00010 and 0.00012; TOPMed 0.00014; ExAC 0.00015; ESP Exome Variant Server 0.00015.

Submissions (2):

Labcorp Genetics (formerly Invitae), Labcorp
Classification: Likely benign for Argininosuccinate lyase deficiency. Last evaluated: 2026-01-28. Review status: criteria provided, single submitter. Criteria: Invitae Variant Classification Sherloc (09022015). Collection method: clinical testing. Allele origin: germline.

GeneDx
Classification: Likely benign. Last evaluated: 2016-07-19. Review status: criteria provided, single submitter. Criteria: GeneDx Variant Classification (06012015). Collection method: clinical testing. Allele origin: germline. Affected: yes.
Comment: This variant is considered likely benign or benign based on one or more of the following criteria: it is a conservative change, it occurs at a poorly conserved position in the protein, it is predicted to be benign by multiple in silico algorithms, and/or has population frequency not consistent with disease.